The following is an entry in ClinVar:

ClinVar aggregate classification (germline): Uncertain significance (1 of 4 stars; one submission).

Conditions:
Charcot-Marie-Tooth disease type 2R. Also called: CHARCOT-MARIE-TOOTH DISEASE, AXONAL, AUTOSOMAL RECESSIVE, TYPE 2R; Charcot-Marie-Tooth disease, axonal, type 2R; CHARCOT-MARIE-TOOTH NEUROPATHY, TYPE 2R. Identifiers: Orphanet 397968, MedGen C3809655, MONDO:0014208, OMIM 615490.

Submission:

Labcorp Genetics (formerly Invitae), Labcorp
Classification: Uncertain significance for Charcot-Marie-Tooth disease type 2R. Last evaluated: 2022-07-31. Review status: criteria provided, single submitter. Criteria: Invitae Variant Classification Sherloc (09022015). Collection method: clinical testing. Allele origin: germline.
Comment: In summary, the available evidence is currently insufficient to determine the role of this variant in disease. Therefore, it has been classified as a Variant of Uncertain Significance. This sequence change replaces asparagine, which is neutral and polar, with histidine, which is basic and polar, at codon 482 of the TRIM2 protein (p.Asn482His). This variant is not present in population databases (gnomAD no frequency). This variant has not been reported in the literature in individuals affected with TRIM2-related conditions. Algorithms developed to predict the effect of missense changes on protein structure and function are either unavailable or do not agree on the potential impact of this missense change (SIFT: "Deleterious"; PolyPhen-2: "Possibly Damaging"; Align-GVGD: "Class C0").

NM_015271.5(TRIM2):c.1525A>C (p.Asn509His)

Gene: TRIM2 (tripartite motif containing 2; plus strand). Cytogenetic location: 4q31.3.
Variant type: single nucleotide variant.
Coding change: c.1525A>C on transcript NM_015271.5 (MANE Select); coding-DNA position 1525, A replaced by C.
Protein change: p.Asn509His; replaces asparagine 509 with histidine.
Molecular consequence: missense variant.
Genome position (GRCh38, 1-based): chr4:153,315,499, A>C. VCF-style: chr4-153315499-A-C. GRCh37 (hg19) VCF-style: chr4-154236651-A-C.
Other names: c.1444A>C, p.Asn482His (NM_001130067.2, NM_001351056.2, NM_001375512.1 and 5 more transcripts); c.1498A>C, p.Asn500His (NM_001351054.2); c.1495A>C, p.Asn499His (NM_001351055.2); c.1069A>C, p.Asn357His (NM_001351057.2); c.1618A>C, p.Asn540His (NM_001375488.1); c.1615A>C, p.Asn539His (NM_001375489.1); c.1468A>C, p.Asn490His (NM_001375490.1); c.1465A>C, p.Asn489His (NM_001375491.1); and 3 more; short protein forms N357H, N396H, N397H, N398H, N482H, N489H, N490H, N499H.
Identifiers: ClinVar variation 1714612 (VCV001714612.5), dbSNP rs2546630752, ClinGen allele CA358467719.
Genomic context (GRCh38, chr4:153,315,499, plus strand): 5'-CTAACCCTTTAGTGCTTAATTTTTATGATTTTATCATTTATTTTAGGTACCAAAGGAAGA[A>C]ATAAAGGAGAGTTTACAAATCTTCAGGGGGTAGCTGCATCTACAAATGGAAAGATATTAA-3'
Protein context (NP_056086.2, residues 499-519): LIFRVGTKGR[Asn509His]KGEFTNLQGV